The following is an entry in ClinVar:

NM_015512.5(DNAH1):c.6442G>A (p.Gly2148Arg)

Gene: DNAH1 (dynein axonemal heavy chain 1; plus strand). Cytogenetic location: 3p21.1.
Variant type: single nucleotide variant.
Coding change: c.6442G>A on transcript NM_015512.5 (MANE Select); coding-DNA position 6442, G replaced by A.
Protein change: p.Gly2148Arg; replaces glycine 2148 with arginine.
Molecular consequence: missense variant.
Genome position (GRCh38, 1-based): chr3:52,370,742, G>A. VCF-style: chr3-52370742-G-A. GRCh37 (hg19) VCF-style: chr3-52404758-G-A.
Other names: short protein forms G2148R.
Identifiers: ClinVar variation 1033363 (VCV001033363.1), dbSNP rs1314950247, ClinGen allele CA353161314.

ClinVar aggregate classification (germline): Uncertain significance (1 of 4 stars; one submission).

Conditions:
Ciliary dyskinesia, primary, 37 (CILD37). Also called: CILIARY DYSKINESIA, PRIMARY, 37, WITH OR WITHOUT SITUS INVERSUS. Identifiers: MedGen C4539798, MONDO:0033204, OMIM 617577.

Submission:

Baylor Genetics
Classification: Uncertain significance for Ciliary dyskinesia, primary, 37. Last evaluated: 2018-09-26. Review status: criteria provided, single submitter. Criteria: ACMG Guidelines, 2015. Collection method: clinical testing. Allele origin: paternal. Affected: yes.
Comment: This variant was determined to be of uncertain significance according to ACMG Guidelines, 2015 [PMID:25741868].